The following is an entry in ClinVar:

NM_015015.3(KDM4B):c.1115+695A>C

Gene: KDM4B (lysine demethylase 4B; plus strand). Cytogenetic location: 19p13.3.
Variant type: single nucleotide variant.
Coding change: c.1115+695A>C on transcript NM_015015.3 (MANE Select); 695 bases into the intron after coding-DNA position 1115, A replaced by C.
Molecular consequence: intron variant. On other transcripts: synonymous variant (1).
Genome position (GRCh38, 1-based): chr19:5,111,513, A>C. VCF-style: chr19-5111513-A-C. GRCh37 (hg19) VCF-style: chr19-5111524-A-C.
Other names: c.1254A>C, p.Leu418= (NM_001370093.1); c.1116-262A>C (NM_001370094.1); c.1115+695A>C (NM_001411148.1).
Identifiers: ClinVar variation 2649093 (VCV002649093.24), dbSNP rs776061116, ClinGen allele CA9107636.

ClinVar aggregate classification (germline): Likely benign (1 of 4 stars; one submission).

Allele frequency attached by ClinVar (database versions not stated): TOPMed 0.00004; ExAC 0.00005; gnomAD exomes 0.00010; gnomAD 0.00002.
gnomAD v4.1: 68 of 765,108 alleles (0.0089%); highest among the groups gnomAD compares: Middle Eastern, 0.14%; no homozygotes.

Submission:

CeGaT Center for Human Genetics Tuebingen
Classification: Likely benign. Last evaluated: 2022-07-01. Review status: criteria provided, single submitter. Criteria: CeGaT Center For Human Genetics Tuebingen Variant Classification Criteria Version 2. Collection method: clinical testing. Allele origin: germline. Affected: yes. Observed: 1 variant allele.
Comment: KDM4B: BP4, BP7